The following is an entry in ClinVar:

ClinVar aggregate classification (germline): Benign/Likely benign. Review status: criteria provided, multiple submitters, no conflicts (2 of 4 stars). 2 submissions from 2 submitters: Benign (1); Likely benign (1). Last evaluated 2025-12-02.

Conditions:
Congenital disorder of glycosylation type Ir (CDG1R). Also called: DDOST-congenital disorder of glycosylation. Identifiers: Orphanet 300536, MedGen C3281084, MONDO:0013789, OMIM 614507.

Allele frequency attached by ClinVar (database versions not stated): gnomAD 0.00031 and 0.00050; TOPMed 0.00043; gnomAD exomes 0.00057 and 0.00065; ExAC 0.00083; 1000 Genomes Project 30x 0.00297; 1000 Genomes Project 0.00319.

Submissions (2):

Labcorp Genetics (formerly Invitae), Labcorp
Classification: Benign for Congenital disorder of glycosylation type Ir. Last evaluated: 2025-12-02. Review status: criteria provided, single submitter. Criteria: Invitae Variant Classification Sherloc (09022015). Collection method: clinical testing. Allele origin: germline.

GeneDx
Classification: Likely benign. Last evaluated: 2018-01-05. Review status: criteria provided, single submitter. Criteria: GeneDx Variant Classification (06012015). Collection method: clinical testing. Allele origin: germline. Affected: yes.
Comment: This variant is considered likely benign or benign based on one or more of the following criteria: it is a conservative change, it occurs at a poorly conserved position in the protein, it is predicted to be benign by multiple in silico algorithms, and/or has population frequency not consistent with disease.

NM_005216.5(DDOST):c.1293C>T (p.His431=)

Gene: DDOST (dolichyl-diphosphooligosaccharide--protein glycosyltransferase non-catalytic subunit; minus strand). Cytogenetic location: 1p36.12.
Variant type: single nucleotide variant.
Coding change: c.1293C>T on transcript NM_005216.5 (MANE Select); coding-DNA position 1293, C replaced by T.
Protein change: p.His431=; no amino-acid change (histidine 431 retained).
Molecular consequence: synonymous variant.
Genome position (GRCh38, 1-based): chr1:20,652,406, G>A on the plus strand (C>T on the coding strand, the complement: DDOST is on the minus strand). VCF-style: chr1-20652406-G-A. GRCh37 (hg19) VCF-style: chr1-20978899-G-A.
Identifiers: ClinVar variation 507902 (VCV000507902.12), dbSNP rs117634838, ClinGen allele CA660966.